The following is an entry in ClinVar:

NM_213655.5(WNK1):c.3558T>G (p.Cys1186Trp)

Gene: WNK1 (WNK lysine deficient protein kinase 1; plus strand). Cytogenetic location: 12p13.33.
Variant type: single nucleotide variant.
Coding change: c.3558T>G on transcript NM_213655.5 (MANE Plus Clinical); coding-DNA position 3558, T replaced by G.
Protein change: p.Cys1186Trp; replaces cysteine 1186 with tryptophan.
Molecular consequence: missense variant. On other transcripts: intron variant (2).
Genome position (GRCh38, 1-based): chr12:869,029, T>G. VCF-style: chr12-869029-T-G. GRCh37 (hg19) VCF-style: chr12-978195-T-G.
Other names: c.3303T>G, p.Cys1101Trp (NM_001184985.2); c.2140-2236T>G (NM_018979.4, NM_014823.3); short protein forms C1101W, C1186W.
Identifiers: ClinVar variation 1063452 (VCV001063452.9), dbSNP rs1239960064, ClinGen allele CA383342359.

ClinVar aggregate classification (germline): Uncertain significance (1 of 4 stars; one submission).

Conditions:
Neuropathy, hereditary sensory and autonomic, type 2A (HSAN2A). Also called: MORVAN DISEASE; NEUROPATHY, CONGENITAL SENSORY; NEUROPATHY, HEREDITARY SENSORY RADICULAR, AUTOSOMAL RECESSIVE; NEUROPATHY, HEREDITARY SENSORY, TYPE IIA; NEUROPATHY, PROGRESSIVE SENSORY, OF CHILDREN; WNK1-Related HSAN2 (HSAN2A). Identifiers: Orphanet 970, MedGen C2752089, MONDO:0024309, OMIM 201300.
Pseudohypoaldosteronism type 2C (PHA2C). Also called: Pseudohypoaldosteronism Type IIC. Identifiers: Orphanet 757, Orphanet 88940, MedGen C1840391, MONDO:0013778, OMIM 614492.

Allele frequency attached by ClinVar (database versions not stated): gnomAD exomes below 0.00001 and 0.00001; TOPMed below 0.00001; gnomAD 0.00001.
gnomAD v4.1: 19 of 1,612,176 alleles (0.0012%); highest among the groups gnomAD compares: Admixed American, 0.0017%; no homozygotes.

Submission:

Labcorp Genetics (formerly Invitae), Labcorp
Classification: Uncertain significance for Neuropathy, hereditary sensory and autonomic, type 2A; Pseudohypoaldosteronism type 2C. Last evaluated: 2024-10-02. Review status: criteria provided, single submitter. Criteria: Invitae Variant Classification Sherloc (09022015). Collection method: clinical testing. Allele origin: germline.
Comment: This sequence change replaces cysteine, which is neutral and slightly polar, with tryptophan, which is neutral and slightly polar, at codon 1186 of the WNK1 protein (p.Cys1186Trp). This variant is present in population databases (no rsID available, gnomAD 0.003%). This variant has not been reported in the literature in individuals affected with WNK1-related conditions. ClinVar contains an entry for this variant (Variation ID: 1063452). Invitae Evidence Modeling of protein sequence and biophysical properties (such as structural, functional, and spatial information, amino acid conservation, physicochemical variation, residue mobility, and thermodynamic stability) indicates that this missense variant is not expected to disrupt WNK1 protein function with a negative predictive value of 95%. In summary, the available evidence is currently insufficient to determine the role of this variant in disease. Therefore, it has been classified as a Variant of Uncertain Significance.